The following is an entry in ClinVar:

ClinVar aggregate classification (germline): Uncertain significance (1 of 4 stars; one submission).

Conditions:
Cardiovascular phenotype. Identifiers: MedGen CN230736.

Submission:

Ambry Genetics
Classification: Uncertain significance for Cardiovascular phenotype. Last evaluated: 2020-02-27. Review status: criteria provided, single submitter. Criteria: Ambry Variant Classification Scheme 2023. Collection method: clinical testing. Allele origin: germline.
Comment: The p.G507E variant (also known as c.1520G>A), located in coding exon 8 of the TBX5 gene, results from a G to A substitution at nucleotide position 1520. The glycine at codon 507 is replaced by glutamic acid, an amino acid with similar properties. This amino acid position is well conserved in available vertebrate species. In addition, the in silico prediction for this alteration is inconclusive. Since supporting evidence is limited at this time, the clinical significance of this alteration remains unclear.

NM_181486.4(TBX5):c.1520G>A (p.Gly507Glu)

Gene: TBX5 (T-box transcription factor 5; minus strand). Cytogenetic location: 12q24.21.
Variant type: single nucleotide variant.
Coding change: c.1520G>A on transcript NM_181486.4 (MANE Select); coding-DNA position 1520, G replaced by A.
Protein change: p.Gly507Glu; replaces glycine 507 with glutamic acid.
Molecular consequence: missense variant.
Genome position (GRCh38, 1-based): chr12:114,355,569, C>T on the plus strand (G>A on the coding strand, the complement: TBX5 is on the minus strand). VCF-style: chr12-114355569-C-T. GRCh37 (hg19) VCF-style: chr12-114793374-C-T.
Other names: c.1520G>A, p.Gly507Glu (NM_000192.3); c.1370G>A, p.Gly457Glu (NM_080717.4); short protein forms G457E, G507E.
Identifiers: ClinVar variation 1774418 (VCV001774418.2), dbSNP rs2540424439, ClinGen allele CA386924891.